The following is an entry in ClinVar:

ClinVar aggregate classification (germline): Likely benign (1 of 4 stars; one submission).

Allele frequency attached by ClinVar (database versions not stated): gnomAD exomes 0.00005; 1000 Genomes Project 0.00026; ExAC 0.00029; 1000 Genomes Project 30x 0.00042; gnomAD 0.00057 and 0.00066; TOPMed 0.00061.
gnomAD v4.1: 118 of 1,161,986 alleles (0.01%); highest among the groups gnomAD compares: African/African-American, 0.2%; no homozygotes.

Submission:

GeneDx
Classification: Likely benign. Last evaluated: 2016-12-22. Review status: criteria provided, single submitter. Criteria: GeneDx Variant Classification (06012015). Collection method: clinical testing. Allele origin: germline. Affected: yes.
Comment: This variant is considered likely benign or benign based on one or more of the following criteria: it is a conservative change, it occurs at a poorly conserved position in the protein, it is predicted to be benign by multiple in silico algorithms, and/or has population frequency not consistent with disease.

NM_004484.4(GPC3):c.-19T>A

Gene: GPC3 (glypican 3; minus strand). Cytogenetic location: Xq26.2.
Variant type: single nucleotide variant.
Coding change: c.-19T>A on transcript NM_004484.4 (MANE Select); 19 bases upstream of the start codon, T replaced by A.
Molecular consequence: 5 prime UTR variant.
Genome position (GRCh38, 1-based): chrX:133,985,468, A>T on the plus strand (T>A on the coding strand, the complement: GPC3 is on the minus strand). VCF-style: chrX-133985468-A-T. GRCh37 (hg19) VCF-style: chrX-133119495-A-T.
Other names: c.-19T>A (NM_001164617.2, NM_001164618.2, NM_001164619.2).
Identifiers: ClinVar variation 392270 (VCV000392270.1), dbSNP rs763707932, ClinGen allele CA10520898.